The following is an entry in ClinVar:

ClinVar aggregate classification (germline): Uncertain significance (1 of 4 stars; one submission).

Allele frequency attached by ClinVar (database versions not stated): TOPMed 0.00001.
gnomAD v4.1: 7 of 1,613,974 alleles (0.00043%); highest among the groups gnomAD compares: Admixed American, 0.0017%; no homozygotes.

Submission:

Labcorp Genetics (formerly Invitae), Labcorp
Classification: Uncertain significance. Last evaluated: 2022-07-15. Review status: criteria provided, single submitter. Criteria: Invitae Variant Classification Sherloc (09022015). Collection method: clinical testing. Allele origin: germline.
Comment: This sequence change replaces isoleucine, which is neutral and non-polar, with leucine, which is neutral and non-polar, at codon 176 of the PGAP3 protein (p.Ile176Leu). This variant is not present in population databases (gnomAD no frequency). This variant has not been reported in the literature in individuals affected with PGAP3-related conditions. Algorithms developed to predict the effect of missense changes on protein structure and function (SIFT, PolyPhen-2, Align-GVGD) all suggest that this variant is likely to be tolerated. In summary, the available evidence is currently insufficient to determine the role of this variant in disease. Therefore, it has been classified as a Variant of Uncertain Significance.

NM_033419.5(PGAP3):c.526A>C (p.Ile176Leu)

Gene: PGAP3 (post-GPI attachment to proteins phospholipase 3; minus strand). Cytogenetic location: 17q12.
Variant type: single nucleotide variant.
Coding change: c.526A>C on transcript NM_033419.5 (MANE Select); coding-DNA position 526, A replaced by C.
Protein change: p.Ile176Leu; replaces isoleucine 176 with leucine.
Molecular consequence: missense variant. On other transcripts: intron variant (1).
Genome position (GRCh38, 1-based): chr17:39,674,024, T>G on the plus strand (A>C on the coding strand, the complement: PGAP3 is on the minus strand). VCF-style: chr17-39674024-T-G. GRCh37 (hg19) VCF-style: chr17-37830277-T-G.
Other names: c.373A>C, p.Ile125Leu (NM_001291726.2); c.463A>C, p.Ile155Leu (NM_001291728.2, NM_001291732.2); c.526A>C, p.Ile176Leu (NM_001291730.2); c.433-1158A>C (NM_001291733.2); short protein forms I125L, I155L, I176L.
Identifiers: ClinVar variation 2054807 (VCV002054807.1), dbSNP rs752330958, ClinGen allele CA290440909.